The following is an entry in ClinVar:

NM_001267550.2(TTN):c.93367G>C (p.Val31123Leu)

Genes: TTN-AS1 (TTN antisense RNA 1; plus strand), TTN (titin; minus strand). Cytogenetic location: 2q31.2.
Variant type: single nucleotide variant.
Coding change: c.93367G>C on transcript NM_001267550.2 (MANE Select); coding-DNA position 93367, G replaced by C.
Protein change: p.Val31123Leu; replaces valine 31123 with leucine.
Molecular consequence: missense variant.
Genome position (GRCh38, 1-based): chr2:178,548,259, C>G on the plus strand (G>C on the coding strand, the complement: TTN is on the minus strand). VCF-style: chr2-178548259-C-G. GRCh37 (hg19) VCF-style: chr2-179412986-C-G.
Other names: c.88444G>C, p.Val29482Leu (NM_001256850.1); c.85663G>C, p.Val28555Leu (NM_133378.4); c.66172G>C, p.Val22058Leu (NM_003319.4); c.66547G>C, p.Val22183Leu (NM_133432.3); c.66748G>C, p.Val22250Leu (NM_133437.4); short protein forms V31123L, V28555L, V22250L, V29482L, V22058L, V22183L.
Identifiers: ClinVar variation 47531 (VCV000047531.31), dbSNP rs202096200, ClinGen allele CA141278.
Genomic context (GRCh38, chr2:178,548,259, plus strand): 5'-TGCCTCCATCGTGGTCAGGTTTAAGCCAAGCTAAGACTGCGGAGGATTTGCTAGTATCAA[C>G]AACATCAAGTCTCCTAGGTGGAGCAGGCTGTTCTGTGGCTACAATTGGTTCTGGCATTTC-3'
Protein context (NP_001254479.2, residues 31113-31133): QPAPPRRLDV[Val31123Leu]DTSKSSAVLA

ClinVar aggregate classification (germline): Conflicting classifications of pathogenicity. Review status: criteria provided, conflicting classifications (1 of 4 stars). 11 submissions from 11 submitters: Uncertain significance (5); Likely benign (6). Last evaluated 2026-09-01.

Conditions:
TTN-related disorder. Also called: TTN-related disorders; TTN-related condition; TTN-related disease.
Cardiovascular phenotype. Identifiers: MedGen CN230736.
Autosomal recessive limb-girdle muscular dystrophy type 2J (LGMDR10). Also called: MUSCULAR DYSTROPHY, LIMB-GIRDLE, AUTOSOMAL RECESSIVE 10; Limb-girdle muscular dystrophy, type 2J. Identifiers: Orphanet 140922, MedGen C1837342, MONDO:0012127, OMIM 608807.
Dilated cardiomyopathy 1G (CMD1G). Identifiers: Orphanet 154, MedGen C1858763, MONDO:0011400, OMIM 604145.

Allele frequency attached by ClinVar (database versions not stated): gnomAD 0.00040 and 0.00041; 1000 Genomes Project 30x 0.00047; ESP Exome Variant Server 0.00024; 1000 Genomes Project 0.00040; ExAC 0.00012; TOPMed 0.00037.
gnomAD v4.1: 123 of 1,613,826 alleles (0.0076%); highest among the groups gnomAD compares: African/African-American, 0.15%; no homozygotes.

Submissions (11):

CeGaT Center for Human Genetics Tuebingen
Classification: Uncertain significance. Last evaluated: 2026-09-01. Review status: criteria provided, single submitter. Criteria: CeGaT Center For Human Genetics Tuebingen Variant Classification Criteria Version 2. Collection method: clinical testing. Allele origin: germline. Affected: yes. Observed: 1 variant allele.
Comment: TTN: PM2, BP4

PreventionGenetics, part of Exact Sciences
Classification: Uncertain significance for TTN-related condition. Last evaluated: 2026-04-21. Review status: criteria provided, single submitter. Criteria: ACMG Guidelines, 2015. Collection method: clinical testing. Allele origin: germline.
Comment: The TTN c.93367G>C variant is predicted to result in the amino acid substitution p.Val31123Leu. This variant has been reported in a patient presenting with hypertrophic cardiomyopathy and classified as uncertain. Of note, another uncertain missense variant in TTN was also identified in the patient (c.72181A>G, Patient NCG_00678, Table S2, Haskell et al. 2017. PubMed ID: 28611029). This variant is reported in 0.12% of alleles in individuals of African descent in gnomAD. While we suspect that this variant could be benign, at this time its clinical significance is uncertain due to the absence of conclusive functional and genetic evidence.

Labcorp Genetics (formerly Invitae), Labcorp
Classification: Likely benign for Dilated cardiomyopathy 1G; Autosomal recessive limb-girdle muscular dystrophy type 2J. Last evaluated: 2026-01-27. Review status: criteria provided, single submitter. Criteria: Invitae Variant Classification Sherloc (09022015). Collection method: clinical testing. Allele origin: germline.

Revvity Omics, Revvity
Classification: Likely benign. Last evaluated: 2025-05-08. Review status: criteria provided, single submitter. Criteria: ACMG Guidelines, 2015. Collection method: clinical testing. Allele origin: germline.

Women's Health and Genetics/Laboratory Corporation of America, LabCorp
Classification: Likely benign. Last evaluated: 2024-02-27. Review status: criteria provided, single submitter. Criteria: LabCorp Variant Classification Summary - May 2015. Collection method: clinical testing. Allele origin: germline.
Comment: Variant summary: TTN c.85663G>C (p.Val28555Leu) results in a conservative amino acid change located in the A-band region of the encoded protein sequence. Four of five in-silico tools predict a benign effect of the variant on protein function. The variant allele was found at a frequency of 9.3e-05 in 248424 control chromosomes, predominantly at a frequency of 0.0015 within the African or African-American subpopulation in the gnomAD database. The observed variant frequency within African or African-American control individuals in the gnomAD database is approximately 2.4 fold of the estimated maximal expected allele frequency for a pathogenic variant in TTN causing Cardiomyopathy phenotype (0.00063), strongly suggesting that the variant is a benign polymorphism found primarily in populations of African or African-American origin. This report does not provide unequivocal conclusions about association of the variant with Cardiomyopathy. To our knowledge, no experimental evidence demonstrating an impact on protein function has been reported. The following publication has been ascertained in the context of this evaluation (PMID: 28611029). ClinVar contains an entry for this variant (Variation ID: 47531). Based on the evidence outlined above, the variant was classified as likely benign.

Blueprint Genetics
Classification: Likely benign. Last evaluated: 2023-06-20. Review status: criteria provided, single submitter. Criteria: ACMG Guidelines, 2015. Collection method: clinical testing. Allele origin: germline.

GeneDx
Classification: Likely benign. Last evaluated: 2021-03-02. Review status: criteria provided, single submitter. Criteria: GeneDx Variant Classification Process June 2021. Collection method: clinical testing. Allele origin: germline. Affected: yes.

Ambry Genetics
Classification: Likely benign for Cardiovascular phenotype. Last evaluated: 2020-02-26. Review status: criteria provided, single submitter. Criteria: Ambry Variant Classification Scheme 2023. Collection method: clinical testing. Allele origin: germline.

Eurofins Ntd Llc (ga)
Classification: Uncertain significance. Last evaluated: 2017-09-15. Review status: criteria provided, single submitter. Criteria: EGL Classification Definitions 2015. Collection method: clinical testing. Allele origin: germline. Observed: 3 variant alleles, 3 heterozygotes.

Biesecker Lab/Clinical Genomics Section, National Institutes of Health
Classification: Uncertain significance. Last evaluated: 2013-06-24. Review status: criteria provided, single submitter. Criteria: Ng et al. (Circ Cardiovasc Genet. 2013). Collection method: research. Allele origin: unknown. Observed: 1 variant allele. Study: ClinSeq.
Comment: The study set was not selected for affection status in relation to any cancer. Pathogenicity categories were based on literature curation. See Pubmed ID:23861362 for details.

Medical sequencing

Laboratory for Molecular Medicine, Mass General Brigham Personalized Medicine
Classification: Uncertain significance. Last evaluated: 2012-12-06. Review status: criteria provided, single submitter. Criteria: LMM Criteria. Collection method: clinical testing. Allele origin: germline. Observed: 1 variant allele.
Comment: The Val28555Leu variant in TTN has not been reported in the literature nor previ ously identified by our laboratory. This variant has been identified in 3/3720 A frican American chromosomes from a broad population by the NHLBI Exome Sequencin g Project (dbSNP rs202096200). Computational analyses (biochemical amino acid properties, conservation, AlignGVGD, PolyPhen2, and SIFT) do not provide strong support for or against an impact to the protein . In summary, additional information is needed to fully assess its clinical sign ificance.

Literature cited by the submitters: PubMed 28611029 (cited by Women's Health and Genetics/Laboratory Corporation of America, LabCorp); PubMed 23861362 (cited by Ambry Genetics).